The following is an entry in ClinVar:

NM_003079.5(SMARCE1):c.1220A>G (p.Asp407Gly)

Gene: SMARCE1 (SWI/SNF related BAF chromatin remodeling complex subunit E1; minus strand). Cytogenetic location: 17q21.2.
Variant type: single nucleotide variant.
Coding change: c.1220A>G on transcript NM_003079.5 (MANE Select); coding-DNA position 1220, A replaced by G.
Protein change: p.Asp407Gly; replaces aspartic acid 407 with glycine.
Molecular consequence: missense variant.
Genome position (GRCh38, 1-based): chr17:40,628,801, T>C on the plus strand (A>G on the coding strand, the complement: SMARCE1 is on the minus strand). VCF-style: chr17-40628801-T-C. GRCh37 (hg19) VCF-style: chr17-38785053-T-C.
Other names: short protein forms D407G.
Identifiers: ClinVar variation 2626163 (VCV002626163.2), dbSNP rs2508592395, ClinGen allele CA399360759.

ClinVar aggregate classification (germline): Uncertain significance (1 of 4 stars; one submission).

Conditions:
Hereditary cancer-predisposing syndrome. Also called: Tumor predisposition; Hereditary Cancer Syndrome; Hereditary neoplastic syndrome; Neoplastic Syndromes, Hereditary. Identifiers: Orphanet 140162, MedGen C0027672, MeSH D009386, MONDO:0015356.

Submission:

Ambry Genetics
Classification: Uncertain significance for Hereditary cancer-predisposing syndrome. Last evaluated: 2023-08-29. Review status: criteria provided, single submitter. Criteria: Ambry Variant Classification Scheme 2023. Collection method: clinical testing. Allele origin: germline.
Comment: The p.D407G variant (also known as c.1220A>G), located in coding exon 10 of the SMARCE1 gene, results from an A to G substitution at nucleotide position 1220. The aspartic acid at codon 407 is replaced by glycine, an amino acid with similar properties. This amino acid position is well conserved in available vertebrate species. In silico splice site analysis predicts that this alteration will result in the creation or strengthening of a novel splice donor site; however direct evidence is insufficient (Ambry internal data). In addition, as a missense variant, this alteration is predicted to be tolerated by in silico analysis. Since supporting evidence is limited at this time, the clinical significance of this alteration remains unclear.